The following is an entry in ClinVar:

ClinVar aggregate classification (germline): Uncertain significance (1 of 4 stars; one submission).

Conditions:
Granulomatous disease, chronic, X-linked. Also called: CYTOCHROME b-NEGATIVE GRANULOMATOUS DISEASE, CHRONIC, X-LINKED; GRANULOMATOUS DISEASE, CHRONIC, X-LINKED, SOMATIC MOSAIC. Identifiers: Orphanet 379, MedGen C1844376, MONDO:0010600, OMIM 306400.

Submission:

Labcorp Genetics (formerly Invitae), Labcorp
Classification: Uncertain significance for Granulomatous disease, chronic, X-linked. Last evaluated: 2020-05-20. Review status: criteria provided, single submitter. Criteria: Invitae Variant Classification Sherloc (09022015). Collection method: clinical testing. Allele origin: germline.
Comment: This variant is not present in population databases (ExAC no frequency). This variant, c.1373_1375del, results in the deletion of 1 amino acid(s) of the CYBB protein (p.Leu458del), but otherwise preserves the integrity of the reading frame. In summary, the available evidence is currently insufficient to determine the role of this variant in disease. Therefore, it has been classified as a Variant of Uncertain Significance. Experimental studies and prediction algorithms are not available or were not evaluated, and the functional significance of this variant is currently unknown.

NM_000397.4(CYBB):c.1370TGC[1] (p.Leu458del)

Gene: CYBB (cytochrome b-245 beta chain; plus strand). Cytogenetic location: Xp11.4.
Variant type: Microsatellite.
Coding change: c.1370TGC[1] on transcript NM_000397.4 (MANE Select); one copy of the 3-base unit TGC starting at c.1370; the reference has two copies in a row; one copy, 3 bases deleted.
Protein change: p.Leu458del; deletes leucine 458.
Molecular consequence: inframe deletion.
Genome position (GRCh38, 1-based): chrX:37,806,445-37,806,447, TGC deleted; deleting any 3 consecutive bases within chrX:37,806,441-37,806,447 gives the same sequence; the position shown is the placement nearest the transcript's 3' end. VCF-style (leftmost placement, unchanged base first): chrX-37806440-TCTG-T. GRCh37 (hg19) VCF-style: chrX-37665693-TCTG-T.
Other names: short protein forms L458del.
Identifiers: ClinVar variation 1003278 (VCV001003278.9), dbSNP rs1929562453, ClinGen allele CA2424683822.